The following is an entry in ClinVar:

ClinVar aggregate classification (germline): Uncertain significance (1 of 4 stars; one submission).

Conditions:
Singleton-Merten syndrome 1 (SGMRT1). Also called: Widened medullary cavities of bone, aortic calcification, abnormal dentition, and muscular weakness; Syndrome of widened medullary cavities of the metacarpals and phalanges, aortic calcification and abnormal dentition. Identifiers: Orphanet 85191, MedGen C4225427, MONDO:0024535, OMIM 182250.
Aicardi-Goutieres syndrome 7 (AGS7). Identifiers: Orphanet 51, MedGen C3888244, MONDO:0014367, OMIM 615846.

Allele frequency attached by ClinVar (database versions not stated): TOPMed below 0.00001.

Submission:

Labcorp Genetics (formerly Invitae), Labcorp
Classification: Uncertain significance for Aicardi-Goutieres syndrome 7; Singleton-Merten syndrome 1. Last evaluated: 2021-01-08. Review status: criteria provided, single submitter. Criteria: Invitae Variant Classification Sherloc (09022015). Collection method: clinical testing. Allele origin: germline.
Comment: In summary, the available evidence is currently insufficient to determine the role of this variant in disease. Therefore, it has been classified as a Variant of Uncertain Significance. Nucleotide substitutions within the consensus splice site are a relatively common cause of aberrant splicing (PMID: 17576681, 9536098). Algorithms developed to predict the effect of sequence changes on RNA splicing suggest that this variant may create or strengthen a splice site, but this prediction has not been confirmed by published transcriptional studies. This variant has not been reported in the literature in individuals with IFIH1-related conditions. This variant is not present in population databases (ExAC no frequency). This sequence change falls in intron 9 of the IFIH1 gene. It does not directly change the encoded amino acid sequence of the IFIH1 protein. It affects a nucleotide within the consensus splice site of the intron.

Literature cited by the submitters: PubMed 17576681; PubMed 9536098.

NM_022168.4(IFIH1):c.1765+5T>G

Gene: IFIH1 (interferon induced with helicase C domain 1; minus strand). Cytogenetic location: 2q24.2.
Variant type: single nucleotide variant.
Coding change: c.1765+5T>G on transcript NM_022168.4 (MANE Select); 5 bases into the intron after coding-DNA position 1765, T replaced by G.
Molecular consequence: intron variant.
Genome position (GRCh38, 1-based): chr2:162,278,200, A>C on the plus strand (T>G on the coding strand, the complement: IFIH1 is on the minus strand). VCF-style: chr2-162278200-A-C. GRCh37 (hg19) VCF-style: chr2-163134710-A-C.
Identifiers: ClinVar variation 1503039 (VCV001503039.6), dbSNP rs1682738622, ClinGen allele CA1303145773.